The following is an entry in ClinVar:

ClinVar aggregate classification (germline): Uncertain significance. Review status: criteria provided, multiple submitters, no conflicts (2 of 4 stars). 5 submissions from 5 submitters: Uncertain significance (5). Last evaluated 2026-06-28.

Conditions:
Hajdu-Cheney syndrome (HJCYS). Also called: SERPENTINE FIBULA-POLYCYSTIC KIDNEY SYNDROME; Acroosteolysis dominant type; ACROOSTEOLYSIS WITH OSTEOPOROSIS AND CHANGES IN SKULL AND MANDIBLE. Identifiers: Orphanet 955, MedGen C0917715, MONDO:0007057, OMIM 102500.
NOTCH2-related disorder. Also called: NOTCH2-related condition.
Alagille syndrome due to a NOTCH2 point mutation. Also called: Alagille syndrome 2. Identifiers: Orphanet 261629, Orphanet 52, MedGen C1857761, MONDO:0012439, OMIM 610205.
VATER association. Also called: Vacterl association; VACTERL/vater association. Identifiers: Orphanet 887, MedGen C4225671, MONDO:0008642, OMIM 192350.

Allele frequency attached by ClinVar (database versions not stated): ExAC 0.00001; gnomAD exomes 0.00002 and 0.00004; gnomAD 0.00003; TOPMed 0.00003; ESP Exome Variant Server 0.00008.
gnomAD v4.1: 35 of 1,614,026 alleles (0.0022%); highest among the groups gnomAD compares: Admixed American, 0.01%; no homozygotes.

Submissions (5):

PreventionGenetics, part of Exact Sciences
Classification: Uncertain significance for NOTCH2-related condition. Last evaluated: 2026-06-28. Review status: criteria provided, single submitter. Criteria: ACMG Guidelines, 2015. Collection method: clinical testing. Allele origin: germline.
Comment: The NOTCH2 c.3556T>A variant is predicted to result in the amino acid substitution p.Tyr1186Asn. This variant was reported in an individual with congenital anomalies of kidney and urinary tract, and it was inherited from their mother with unknown affected status (van der Ven et al. 2018. PubMed ID: 30143558). This variant is reported in 0.017% of alleles in individuals of Latino descent in gnomAD. At this time, the clinical significance of this variant is uncertain due to the absence of conclusive functional and genetic evidence.

Labcorp Genetics (formerly Invitae), Labcorp
Classification: Uncertain significance for Hajdu-Cheney syndrome. Last evaluated: 2025-07-02. Review status: criteria provided, single submitter. Criteria: Invitae Variant Classification Sherloc (09022015). Collection method: clinical testing. Allele origin: germline.
Comment: This sequence change replaces tyrosine, which is neutral and polar, with asparagine, which is neutral and polar, at codon 1186 of the NOTCH2 protein (p.Tyr1186Asn). This variant is present in population databases (rs377058108, gnomAD 0.02%). This variant has not been reported in the literature in individuals affected with NOTCH2-related conditions. ClinVar contains an entry for this variant (Variation ID: 596711). Invitae Evidence Modeling of protein sequence and biophysical properties (such as structural, functional, and spatial information, amino acid conservation, physicochemical variation, residue mobility, and thermodynamic stability) indicates that this missense variant is not expected to disrupt NOTCH2 protein function with a negative predictive value of 80%. In summary, the available evidence is currently insufficient to determine the role of this variant in disease. Therefore, it has been classified as a Variant of Uncertain Significance.

Fulgent Genetics
Classification: Uncertain significance for Hajdu-Cheney syndrome; Alagille syndrome due to a NOTCH2 point mutation. Last evaluated: 2024-06-01. Review status: criteria provided, single submitter. Criteria: ACMG Guidelines, 2015. Collection method: clinical testing. Allele origin: germline.

Broad Center for Mendelian Genomics, Broad Institute of MIT and Harvard
Classification: Uncertain significance for VATER association. Last evaluated: 2020-05-28. Review status: criteria provided, single submitter. Criteria: ACMG Guidelines, 2015. Collection method: research. Allele origin: germline. Inheritance: Autosomal dominant inheritance.
Comment: This variant has been identified in 0.02% (6/35436) of Latino chromosomes by the Genome Aggregation Database (gnomAD). Although this variant has been seen in the general population, its frequency is not high enough to rule out a pathogenic role. Computational prediction tools and conservation analyses do not provide strong support for or against an impact to the protein. In summary, the clinical significance of the p.Tyr1186Asn variant is uncertain. ACMG/AMP Criteria applied: none (Richards 2015).

Eurofins Ntd Llc (ga)
Classification: Uncertain significance. Last evaluated: 2018-03-30. Review status: criteria provided, single submitter. Criteria: EGL ClinVar v180209 classification definitions. Collection method: clinical testing. Allele origin: germline. Observed: 1 variant allele, 1 heterozygote.

NM_024408.4(NOTCH2):c.3556T>A (p.Tyr1186Asn)

Gene: NOTCH2 (notch receptor 2; minus strand). Cytogenetic location: 1p12.
Variant type: single nucleotide variant.
Coding change: c.3556T>A on transcript NM_024408.4 (MANE Select); coding-DNA position 3556, T replaced by A.
Protein change: p.Tyr1186Asn; replaces tyrosine 1186 with asparagine.
Molecular consequence: missense variant.
Genome position (GRCh38, 1-based): chr1:119,935,571, A>T on the plus strand (T>A on the coding strand, the complement: NOTCH2 is on the minus strand). VCF-style: chr1-119935571-A-T. GRCh37 (hg19) VCF-style: chr1-120478194-A-T.
Other names: c.3556T>A (NM_024408.3); c.3556T>A, p.Tyr1186Asn (NM_001200001.2); short protein forms Y1186N.
Identifiers: ClinVar variation 596711 (VCV000596711.13), dbSNP rs377058108, ClinGen allele CA1040024.